The following is an entry in ClinVar:

NM_000334.4(SCN4A):c.366C>T (p.Arg122=)

Gene: SCN4A (sodium voltage-gated channel alpha subunit 4; minus strand). Cytogenetic location: 17q23.3.
Variant type: single nucleotide variant.
Coding change: c.366C>T on transcript NM_000334.4 (MANE Select); coding-DNA position 366, C replaced by T.
Protein change: p.Arg122=; no amino-acid change (arginine 122 retained).
Molecular consequence: synonymous variant.
Genome position (GRCh38, 1-based): chr17:63,972,378, G>A on the plus strand (C>T on the coding strand, the complement: SCN4A is on the minus strand). VCF-style: chr17-63972378-G-A. GRCh37 (hg19) VCF-style: chr17-62049738-G-A.
Other names: p.Arg122=.
Identifiers: ClinVar variation 130234 (VCV000130234.26), dbSNP rs41280108, ClinGen allele CA155077.

ClinVar aggregate classification (germline): Benign/Likely benign. Review status: criteria provided, multiple submitters, no conflicts (2 of 4 stars). 13 submissions from 9 submitters: Benign (11); Likely benign (1). 1 of the submissions does not count toward it. Last evaluated 2026-02-02.

Conditions:
Congenital myasthenic syndrome 16. Identifiers: Orphanet 590, MedGen C3280112, MONDO:0013620, OMIM 614198.
Paramyotonia congenita of Von Eulenburg. Also called: PARALYSIS PERIODICA PARAMYOTONICA; Paramyotonia Congenita; Eulenburg disease; Myotonia congenita intermittens; Von Eulenburg paramyotonia congenita. Identifiers: Orphanet 684, MedGen C0221055, MONDO:0008195, OMIM 168300. Disease mechanism: loss of function.
Hypokalemic periodic paralysis, type 2 (HOKPP2). Identifiers: Orphanet 681, MedGen C2750061, MONDO:0013234, OMIM 613345.
Hyperkalemic periodic paralysis. Also called: Familial hyperkalemic periodic paralysis; Gamstorp disease. Identifiers: Orphanet 682, MedGen C0238357, MONDO:0008224, OMIM 170500, HP:0007215.
Potassium-aggravated myotonia. Also called: MYOTONIA CONGENITA, ACETAZOLAMIDE-RESPONSIVE; MYOTONIA CONGENITA, ATYPICAL; SODIUM CHANNEL MUSCLE DISEASE; Myotonia congenita, atypical, acetazolamide-responsive. Identifiers: Orphanet 612, Orphanet 99734, Orphanet 99735, Orphanet 99736, MedGen C2931826, MONDO:0018959, OMIM 608390.

Allele frequency attached by ClinVar (database versions not stated): ESP Exome Variant Server 0.04118; gnomAD 0.04121 and 0.04138; ExAC 0.04785; 1000 Genomes Project 0.03055; gnomAD exomes 0.04715 and 0.05267; 1000 Genomes Project 30x 0.03029; TOPMed 0.03839.

Submissions (13):

Labcorp Genetics (formerly Invitae), Labcorp
Classification: Benign for Hyperkalemic periodic paralysis. Last evaluated: 2026-02-02. Review status: criteria provided, single submitter. Criteria: Invitae Variant Classification Sherloc (09022015). Collection method: clinical testing. Allele origin: germline.

Athena Diagnostics
Classification: Benign. Last evaluated: 2025-06-27. Review status: criteria provided, single submitter. Criteria: Athena Diagnostics Criteria. Collection method: clinical testing. Allele origin: unknown.
Comment: The frequency of this variant in the general population is higher than would generally be expected for pathogenic variants in this gene.

Blueprint Genetics
Classification: Likely benign. Last evaluated: 2024-11-27. Review status: criteria provided, single submitter. Criteria: ACMG Guidelines, 2015. Collection method: clinical testing. Allele origin: germline.

Illumina Laboratory Services, Illumina
Classification: Benign for Congenital myasthenic syndrome 16. Last evaluated: 2018-01-12. Review status: criteria provided, single submitter. Criteria: ICSL Variant Classification Criteria 13 December 2019. Collection method: clinical testing. Allele origin: germline.
Comment: This variant was observed in the ICSL laboratory as part of a predisposition screen in an ostensibly healthy population. It had not been previously curated by ICSL or reported in the Human Gene Mutation Database (HGMD: prior to June 1st, 2018), and was therefore a candidate for classification through an automated scoring system. Utilizing variant allele frequency, disease prevalence and penetrance estimates, and inheritance mode, an automated score was calculated to assess if this variant is too frequent to cause the disease. Based on the score and internal cut-off values, a variant classified as benign is not then subjected to further curation. The score for this variant resulted in a classification of benign for this disease.

Illumina Laboratory Services, Illumina
Classification: Benign for Paramyotonia congenita of Von Eulenburg. Last evaluated: 2018-01-12. Review status: criteria provided, single submitter. Criteria: ICSL Variant Classification Criteria 13 December 2019. Collection method: clinical testing. Allele origin: germline.
Comment: the same text as in the submission from Illumina Laboratory Services, Illumina above.

Illumina Laboratory Services, Illumina
Classification: Benign for Hypokalemic periodic paralysis, type 2. Last evaluated: 2018-01-12. Review status: criteria provided, single submitter. Criteria: ICSL Variant Classification Criteria 13 December 2019. Collection method: clinical testing. Allele origin: germline.
Comment: the same text as in the submission from Illumina Laboratory Services, Illumina above.

Illumina Laboratory Services, Illumina
Classification: Benign for Potassium-aggravated myotonia. Last evaluated: 2018-01-12. Review status: criteria provided, single submitter. Criteria: ICSL Variant Classification Criteria 13 December 2019. Collection method: clinical testing. Allele origin: germline.
Comment: the same text as in the submission from Illumina Laboratory Services, Illumina above.

Illumina Laboratory Services, Illumina
Classification: Benign for Hyperkalemic periodic paralysis. Last evaluated: 2018-01-12. Review status: criteria provided, single submitter. Criteria: ICSL Variant Classification Criteria 13 December 2019. Collection method: clinical testing. Allele origin: germline.
Comment: the same text as in the submission from Illumina Laboratory Services, Illumina above.

Mayo Clinic Laboratories, Mayo Clinic
Classification: Benign. Last evaluated: 2017-07-24. Review status: criteria provided, single submitter. Criteria: ACMG Guidelines, 2015. Collection method: clinical testing. Allele origin: germline. Observed: 88 variant alleles.

GeneDx
Classification: Benign. Last evaluated: 2016-01-29. Review status: criteria provided, single submitter. Criteria: GeneDx Variant Classification (06012015). Collection method: clinical testing. Allele origin: germline. Affected: yes.
Comment: This variant is considered likely benign or benign based on one or more of the following criteria: it is a conservative change, it occurs at a poorly conserved position in the protein, it is predicted to be benign by multiple in silico algorithms, and/or has population frequency not consistent with disease.

Breakthrough Genomics
Classification: Benign. Review status: criteria provided, single submitter. Criteria: ACMG Guidelines, 2015. Collection method: not provided. Allele origin: germline. Inheritance: Autosomal recessive inheritance. Affected: yes.

PreventionGenetics, part of Exact Sciences
Classification: Benign. Review status: criteria provided, single submitter. Criteria: ACMG Guidelines, 2015. Collection method: clinical testing. Allele origin: germline.

Genetic Services Laboratory, University of Chicago
Classification: Likely benign for AllHighlyPenetrant. Review status: no assertion criteria provided. Collection method: clinical testing. Allele origin: germline. Inheritance: Autosomal recessive inheritance. Not counted in ClinVar's aggregate classification.
Comment: Likely benign based on allele frequency in 1000 Genomes Project or ESP global frequency and its presence in a patient with a rare or unrelated disease phenotype. NOT Sanger confirmed.